The following is an entry in ClinVar:

ClinVar aggregate classification (germline): Uncertain significance (1 of 4 stars; one submission).

Allele frequency attached by ClinVar (database versions not stated): gnomAD 0.00001; gnomAD exomes 0.00001; TOPMed 0.00001.

Submission:

Labcorp Genetics (formerly Invitae), Labcorp
Classification: Uncertain significance. Last evaluated: 2023-05-29. Review status: criteria provided, single submitter. Criteria: Invitae Variant Classification Sherloc (09022015). Collection method: clinical testing. Allele origin: germline.
Comment: Experimental studies and prediction algorithms are not available or were not evaluated, and the functional significance of this variant is currently unknown. In summary, the available evidence is currently insufficient to determine the role of this variant in disease. Therefore, it has been classified as a Variant of Uncertain Significance. This variant has not been reported in the literature in individuals affected with MCM2-related conditions. This variant is not present in population databases (gnomAD no frequency). This sequence change affects the initiator methionine of the MCM2 mRNA. The next in-frame methionine is located at codon 10.

NM_004526.4(MCM2):c.3G>A (p.Met1Ile)

Gene: MCM2 (minichromosome maintenance complex component 2; plus strand). Cytogenetic location: 3q21.3.
Variant type: single nucleotide variant.
Coding change: c.3G>A on transcript NM_004526.4 (MANE Select); coding-DNA position 3, G replaced by A.
Protein change: p.Met1Ile; changes the start codon (methionine 1).
Molecular consequence: missense variant, initiator codon variant. On other transcripts: non-coding transcript variant (1).
Genome position (GRCh38, 1-based): chr3:127,598,469, G>A. VCF-style: chr3-127598469-G-A. GRCh37 (hg19) VCF-style: chr3-127317312-G-A.
Other names: short protein forms M1I.
Identifiers: ClinVar variation 2994413 (VCV002994413.3), dbSNP rs1439380101, ClinGen allele CA354379151.